The following is an entry in ClinVar:

NM_000535.7(PMS2):c.1076T>C (p.Leu359Ser)

Gene: PMS2 (PMS1 homolog 2, mismatch repair system component; minus strand). Cytogenetic location: 7p22.1.
Variant type: single nucleotide variant.
Coding change: c.1076T>C on transcript NM_000535.7 (MANE Select); coding-DNA position 1076, T replaced by C.
Protein change: p.Leu359Ser; replaces leucine 359 with serine.
Molecular consequence: missense variant. On other transcripts: non-coding transcript variant (1), intron variant (2).
Genome position (GRCh38, 1-based): chr7:5,989,868, A>G on the plus strand (T>C on the coding strand, the complement: PMS2 is on the minus strand). VCF-style: chr7-5989868-A-G. GRCh37 (hg19) VCF-style: chr7-6029499-A-G.
Other names: c.671T>C, p.Leu224Ser (NM_001322003.2, NM_001322004.2, NM_001322005.2 and 1 more transcripts); c.758T>C, p.Leu253Ser (NM_001322007.2, NM_001322008.2); c.143T>C, p.Leu48Ser (NM_001322011.2, NM_001322012.2); c.503T>C, p.Leu168Ser (NM_001322013.2); c.1076T>C, p.Leu359Ser (NM_001322014.2); c.767T>C, p.Leu256Ser (NM_001322015.2); c.583+2105T>C (NM_001322010.2); c.988+2105T>C (NM_001322006.2); short protein forms L168S, L253S, L359S, L48S, L224S, L256S.
Identifiers: ClinVar variation 947992 (VCV000947992.9), dbSNP rs1783527422, ClinGen allele CA366742862.
Genomic context (GRCh38, chr7:5,989,868, plus strand): 5'-TCCAGCAGTGGCTGCTGACTGACATTTAGCTTGTTGACATCACTATCAAACATTCCTATC[A>G]AAGAGGTCTTTAAAACTGCCAACAAAAGCTTTTCCTCTTGTAGCAAAATTTGCCTTTTAT-3'
Protein context (NP_000526.2, residues 349-369): KLLLAVLKTS[Leu359Ser]IGMFDSDVNK

ClinVar aggregate classification (germline): Uncertain significance (1 of 4 stars; one submission).

Conditions:
Hereditary nonpolyposis colorectal neoplasms. Identifiers: MedGen C0009405, MeSH D003123.

Submission:

Labcorp Genetics (formerly Invitae), Labcorp
Classification: Uncertain significance for Hereditary nonpolyposis colorectal neoplasms. Last evaluated: 2023-08-25. Review status: criteria provided, single submitter. Criteria: Invitae Variant Classification Sherloc (09022015). Collection method: clinical testing. Allele origin: germline.
Comment: In summary, the available evidence is currently insufficient to determine the role of this variant in disease. Therefore, it has been classified as a Variant of Uncertain Significance. Advanced modeling of protein sequence and biophysical properties (such as structural, functional, and spatial information, amino acid conservation, physicochemical variation, residue mobility, and thermodynamic stability) performed at Invitae indicates that this missense variant is expected to disrupt PMS2 protein function. This sequence change replaces leucine, which is neutral and non-polar, with serine, which is neutral and polar, at codon 359 of the PMS2 protein (p.Leu359Ser). ClinVar contains an entry for this variant (Variation ID: 947992). This variant has not been reported in the literature in individuals affected with PMS2-related conditions. This variant is not present in population databases (gnomAD no frequency).